The following is an entry in ClinVar:

ClinVar aggregate classification (germline): Conflicting classifications of pathogenicity. Review status: criteria provided, conflicting classifications (1 of 4 stars). 5 submissions from 5 submitters: Uncertain significance (3); Benign (1); Likely benign (1). Last evaluated 2025-12-13.

Conditions:
Tuberous sclerosis syndrome (TSC). Also called: Tuberous Sclerosis Complex; Tuberous sclerosis. Identifiers: Orphanet 805, MedGen C0041341, MONDO:0001734.
Hereditary cancer-predisposing syndrome. Also called: Neoplastic Syndromes, Hereditary; Hereditary Cancer Syndrome; Tumor predisposition; Hereditary neoplastic syndrome. Identifiers: Orphanet 140162, MedGen C0027672, MeSH D009386, MONDO:0015356.
Tuberous sclerosis 2 (TSC2). Identifiers: Orphanet 805, MedGen C1860707, MONDO:0013199, OMIM 613254.

Allele frequency attached by ClinVar (database versions not stated): gnomAD exomes below 0.00001 and 0.00001; ExAC 0.00002.
gnomAD v4.1: 1 of 1,612,974 alleles (0.000062%); highest among the groups gnomAD compares: Non-Finnish European, 0.000085%; no homozygotes.

Submissions (5):

Labcorp Genetics (formerly Invitae), Labcorp
Classification: Benign for Tuberous sclerosis 2. Last evaluated: 2025-12-13. Review status: criteria provided, single submitter. Criteria: Invitae Variant Classification Sherloc (09022015). Collection method: clinical testing. Allele origin: germline.

Color Diagnostics, LLC DBA Color Health
Classification: Uncertain significance for Tuberous sclerosis syndrome. Last evaluated: 2025-06-02. Review status: criteria provided, single submitter. Criteria: ACMG Guidelines, 2015. Collection method: clinical testing. Allele origin: germline.
Comment: This missense variant replaces alanine with valine at codon 1712 of the TSC2 protein. Computational prediction is inconclusive regarding the impact of this variant on protein structure and function. To our knowledge, functional studies have not been reported for this variant. This variant has been reported in an individual affected with tuberous sclerosis complex (PMID: 32849516). This variant has been identified in 2/250386 chromosomes in the general population by the Genome Aggregation Database (gnomAD). The available evidence is insufficient to determine the role of this variant in disease conclusively. Therefore, this variant is classified as a Variant of Uncertain Significance.

Ambry Genetics
Classification: Uncertain significance for Hereditary cancer-predisposing syndrome. Last evaluated: 2024-03-08. Review status: criteria provided, single submitter. Criteria: Ambry Variant Classification Scheme 2023. Collection method: clinical testing. Allele origin: germline.
Comment: The p.A1712V variant (also known as c.5135C>T), located in coding exon 39 of the TSC2 gene, results from a C to T substitution at nucleotide position 5135. The alanine at codon 1712 is replaced by valine, an amino acid with similar properties. In one study, this alteration was observed in an individual with a personal history that is consistent with TSC2-related disease (Ludwig K et al. Front Immunol, 2020 Aug;11:1515). This amino acid position is well conserved in available vertebrate species; however, valine is the reference amino acid in other vertebrate species. In addition, the in silico prediction for this alteration is inconclusive. Since supporting evidence is limited at this time, the clinical significance of this alteration remains unclear.

Genome-Nilou Lab
Classification: Likely benign for Tuberous sclerosis 2. Last evaluated: 2021-11-07. Review status: criteria provided, single submitter. Criteria: ACMG Guidelines, 2015. Collection method: clinical testing. Allele origin: germline. Affected: no.

Human Genome Sequencing Center Clinical Lab, Baylor College of Medicine
Classification: Uncertain significance for Tuberous sclerosis type 2. Review status: criteria provided, single submitter. Criteria: ACMG Guidelines, 2015. Collection method: clinical testing. Allele origin: germline.

Literature cited by the submitters: PubMed 32849516 (cited by Color Diagnostics, LLC DBA Color Health and Ambry Genetics).

NM_000548.5(TSC2):c.5135C>T (p.Ala1712Val)

Gene: TSC2 (TSC complex subunit 2; plus strand). Cytogenetic location: 16p13.3.
Variant type: single nucleotide variant.
Coding change: c.5135C>T on transcript NM_000548.5 (MANE Select); coding-DNA position 5135, C replaced by T.
Protein change: p.Ala1712Val; replaces alanine 1712 with valine.
Molecular consequence: missense variant.
Genome position (GRCh38, 1-based): chr16:2,088,114, C>T. VCF-style: chr16-2088114-C-T. GRCh37 (hg19) VCF-style: chr16-2138115-C-T.
Other names: c.4934C>T, p.Ala1645Val (NM_001077183.3); c.5066C>T, p.Ala1689Val (NM_001114382.3); c.4826C>T, p.Ala1609Val (NM_001318827.2); c.4790C>T, p.Ala1597Val (NM_001318829.2); c.4403C>T, p.Ala1468Val (NM_001318831.2); c.4967C>T, p.Ala1656Val (NM_001318832.2); c.4937C>T, p.Ala1646Val (NM_001363528.2); c.5003C>T, p.Ala1668Val (NM_001370404.1); and 1 more; short protein forms A1712V, A1468V, A1645V, A1689V, A1597V, A1646V, A1656V, A1609V.
Identifiers: ClinVar variation 582682 (VCV000582682.19), dbSNP rs45517394, ClinGen allele CA054027.